The following is an entry in ClinVar:

ClinVar aggregate classification (germline): Likely pathogenic. Review status: reviewed by expert panel (3 of 4 stars). 5 submissions from 5 submitters: Likely pathogenic (1). 4 of the submissions do not count toward it. Last evaluated 2023-11-14.

Conditions:
IL2RG-related disorders.
X-linked severe combined immunodeficiency (SCIDX1). Also called: T-B+ severe combined immunodeficiency due to gamma chain deficiency; X-Linked Combined Immunodeficiency Diseases; IMMUNODEFICIENCY 4; SCID, X-LINKED; SEVERE COMBINED IMMUNODEFICIENCY, X-LINKED, T CELL-NEGATIVE, B CELL-POSITIVE, NK CELL-NEGATIVE. Identifiers: Orphanet 276, MedGen C6022468, MONDO:0010315, OMIM 300400. Disease mechanism: loss of function.

Submissions (5):

ClinGen Severe Combined Immunodeficiency Variant Curation Expert Panel, ClinGen
Classification: Likely pathogenic for X-linked severe combined immunodeficiency. Last evaluated: 2023-11-14. Review status: reviewed by expert panel. Criteria: ClinGen SCID ACMG Specifications IL2RG V1.0.0. Collection method: curation. Allele origin: germline. Inheritance: X-linked inheritance.
Comment: The NM_000206.3(IL2RG):c.924G>A (p.Ser308=) synonymous variant occurs at the final nucleotide of exon 7 and is predicted to impact the splice consensus sequence (SpliceAI score 0.95; varSEAK -64.86 %, class 5; MaxEntScan 8.51-->2.69, -68% change) with loss of the donor splice site (PP3). The variant has been reported to segregate with X-SCID through 3 affected segregations. The mutation was confirmed by Sanger sequencing in patients 1 and 2 (maternal first cousins), as well as their mothers (PMID: 30850927; PP1). There is a family history of SCID (0.5pt) and the patient was sequenced on a panel of 29 SCID causing genes (0.5pt). Phosphorylation of STAT5 after IL-2 stimulation in T cells exhibited a weaker response (1pt). Together these phenotypes and family history are highly specific for SCID due to gamma chain deficiency (2.5pt; PP4_moderate). Validation of a splicing defect was found in IL2RG mRNA analysis in patients 1 and 2 (PMID: 30850927). Skipping of exon 7 was detected which would cause a frameshift in exon 8 (the final exon) with a stop loss and elongation of the protein by 31 amino acids. Of note, products of non-spliced intron 7, other abnormal splicings, and even normal splicing were also detected (PM4). This variant is absent from gnomAD v2.1.1 (PM2_Supporting). In summary, this variant meets the criteria to be classified as likely pathogenic for X-linked T-B+ severe combined immunodeficiency due to gamma chain deficiency based on the ACMG/AMP criteria applied, as specified by the ClinGen SCID VCEP. Criteria applied: PM2_supporting, PM4, PP1, PP3, PP4_moderate. (VCEP specifications version 1).

Laboratório de Alta Complexidade, Instituto Fernandes Figueira - FIOCRUZ
Classification: Pathogenic for X-linked severe combined immunodeficiency. Last evaluated: 2026-07-31. Review status: criteria provided, single submitter. Criteria: ACMG Guidelines, 2015. Collection method: clinical testing. Allele origin: maternal. Inheritance: X-linked recessive inheritance. Affected: yes. Observed: 1 variant allele, 1 hemizygote. Not counted in ClinVar's aggregate classification.
Comment: The variant was curated by ClinGen in 2024 and classified as likely pathogenic based on the following criteria: PM2_sup, PM4, PP3, PP1, and PP4_mod. In 2026, the IL2RG-specific criteria specifications were updated to include additional evidence for strength modification of PP4. Based on the data provided in the only published report of this variant to date (PMID: 30850927), there is sufficient evidence to apply PP4 at a strong level. The identification of two unrelated affected individuals carrying this variant, which is absent from gnomAD and other population control databases, supports the application of PS4 at a supporting level. Therefore, the updated classification of this variant is pathogenic, based on the application of PM2_sup, PM4, PP3, PP1, PP4_strong, and PS4_sup.

Blueprint Genetics
Classification: Likely pathogenic for IL2RG-related disorders. Last evaluated: 2024-09-19. Review status: criteria provided, single submitter. Criteria: ACMG Guidelines, 2015. Collection method: clinical testing. Allele origin: germline. Affected: yes. Observed: 1 variant allele. Not counted in ClinVar's aggregate classification.

CeGaT Center for Human Genetics Tuebingen
Classification: Pathogenic. Last evaluated: 2020-11-01. Review status: criteria provided, single submitter. Criteria: CeGaT Center For Human Genetics Tuebingen Variant Classification Criteria Version 2. Collection method: clinical testing. Allele origin: germline. Affected: yes. Observed: 2 variant alleles. Not counted in ClinVar's aggregate classification.

Labcorp Genetics (formerly Invitae), Labcorp
Classification: Uncertain significance for X-linked severe combined immunodeficiency. Last evaluated: 2019-07-17. Review status: criteria provided, single submitter. Criteria: Invitae Variant Classification Sherloc (09022015). Collection method: clinical testing. Allele origin: germline. Not counted in ClinVar's aggregate classification.
Comment: This sequence change affects codon 308 of the IL2RG mRNA. It is a 'silent' change, meaning that it does not change the encoded amino acid sequence of the IL2RG protein. This variant also falls at the last nucleotide of exon 7 of the IL2RG coding sequence, which is part of the consensus splice site for this exon. This variant is not present in population databases (ExAC no frequency). This variant has been observed in a family affected with atypical X-Linked severe combined immunodeficiency (PMID: 30850927). Nucleotide substitutions within the consensus splice site are a relatively common cause of aberrant splicing (PMID: 17576681, 9536098). Experimental studies have shown that this variant disrupts mRNA splicing (PMID: 30850927). In summary, the available evidence is currently insufficient to determine the role of this variant in disease. Therefore, it has been classified as a Variant of Uncertain Significance.

Literature cited by the submitters: PubMed 30850927 (cited by Laboratório de Alta Complexidade, Instituto Fernandes Figueira - FIOCRUZ and Labcorp Genetics (formerly Invitae), Labcorp); PubMed 17576681 (cited by Labcorp Genetics (formerly Invitae), Labcorp); PubMed 9536098 (cited by Labcorp Genetics (formerly Invitae), Labcorp).

NM_000206.3(IL2RG):c.924G>A (p.Ser308=)

Gene: IL2RG (interleukin 2 receptor subunit gamma; minus strand). Cytogenetic location: Xq13.1.
Variant type: single nucleotide variant.
Coding change: c.924G>A on transcript NM_000206.3 (MANE Select); coding-DNA position 924, G replaced by A.
Protein change: p.Ser308=; no amino-acid change (serine 308 retained).
Molecular consequence: synonymous variant.
Genome position (GRCh38, 1-based): chrX:71,108,277, C>T on the plus strand (G>A on the coding strand, the complement: IL2RG is on the minus strand). VCF-style: chrX-71108277-C-T. GRCh37 (hg19) VCF-style: chrX-70328127-C-T.
Other names: NM_000206.3(IL2RG):c.924G>A; p.Ser308=.
Identifiers: ClinVar variation 962267 (VCV000962267.47), dbSNP rs2092255386, ClinGen allele CA516771304.
Genomic context (GRCh38, chrX:71,108,277, plus strand): 5'-TCTTGCTGGCAGGCAGTTGGCAGTTGATAGACTGCAGCATGCTTATGACAGCGTTCTCAC[C>T]GAAAAGTTCCCGTGGTATTCAGTAACAAGATCCTCTAGGTTCTTCAGGGTGGGAATTCGG-3'
Protein context (NP_000197.1, residues 298-318): DLVTEYHGNF[Ser308=]AWSGVSKGLA